The following is an entry in ClinVar:

ClinVar aggregate classification (germline): Pathogenic. Review status: criteria provided, multiple submitters, no conflicts (2 of 4 stars). 2 submissions from 2 submitters: Pathogenic (2). Last evaluated 2022-03-17.

Conditions:
Cobblestone lissencephaly without muscular or ocular involvement. Also called: Lissencephaly 5; LEUKOENCEPHALOPATHY WITH VARIABLE CORTICAL BRAIN MALFORMATIONS AND/OR HYDROCEPHALUS. Identifiers: Orphanet 352682, MedGen C3554657, MONDO:0014077, OMIM 615191.

Allele frequency attached by ClinVar (database versions not stated): gnomAD exomes below 0.00001; ExAC 0.00001.
gnomAD v4.1: 3 of 1,609,272 alleles (0.00019%); highest among the groups gnomAD compares: East Asian, 0.0022%; no homozygotes.

Submissions (2):

Labcorp Genetics (formerly Invitae), Labcorp
Classification: Pathogenic. Last evaluated: 2022-03-17. Review status: criteria provided, single submitter. Criteria: Invitae Variant Classification Sherloc (09022015). Collection method: clinical testing. Allele origin: germline.
Comment: This sequence change creates a premature translational stop signal (p.Arg397*) in the LAMB1 gene. It is expected to result in an absent or disrupted protein product. Loss-of-function variants in LAMB1 are known to be pathogenic (PMID: 23472759, 25925986). The frequency data for this variant in the population databases is considered unreliable, as metrics indicate poor data quality at this position in the gnomAD database. This variant has not been reported in the literature in individuals affected with LAMB1-related conditions. Algorithms developed to predict the effect of sequence changes on RNA splicing suggest that this variant may disrupt the consensus splice site. For these reasons, this variant has been classified as Pathogenic.

Baylor Genetics
Classification: Pathogenic for Cobblestone lissencephaly without muscular or ocular involvement. Last evaluated: 2019-02-13. Review status: criteria provided, single submitter. Criteria: ACMG Guidelines, 2015. Collection method: clinical testing. Allele origin: maternal. Affected: yes.
Comment: This variant was determined to be pathogenic according to ACMG Guidelines, 2015 [PMID:25741868].

Literature cited by the submitters: PubMed 23472759 (cited by Labcorp Genetics (formerly Invitae), Labcorp); PubMed 25925986 (cited by Labcorp Genetics (formerly Invitae), Labcorp).

NM_002291.3(LAMB1):c.1189C>T (p.Arg397Ter)

Gene: LAMB1 (laminin subunit beta 1; minus strand). Cytogenetic location: 7q31.1.
Variant type: single nucleotide variant.
Coding change: c.1189C>T on transcript NM_002291.3 (MANE Select); coding-DNA position 1189, C replaced by T.
Protein change: p.Arg397Ter; replaces arginine 397 with a stop codon.
Molecular consequence: nonsense.
Genome position (GRCh38, 1-based): chr7:107,975,689, G>A on the plus strand (C>T on the coding strand, the complement: LAMB1 is on the minus strand). VCF-style: chr7-107975689-G-A. GRCh37 (hg19) VCF-style: chr7-107616134-G-A.
Other names: short protein forms R397*.
Identifiers: ClinVar variation 1427340 (VCV001427340.7), dbSNP rs768323491, ClinGen allele CA4436098.